The following is an entry in ClinVar:

NM_014425.5(INVS):c.1994C>G (p.Ser665Cys)

Gene: INVS (inversin; plus strand). Cytogenetic location: 9q31.1.
Variant type: single nucleotide variant.
Coding change: c.1994C>G on transcript NM_014425.5 (MANE Select); coding-DNA position 1994, C replaced by G.
Protein change: p.Ser665Cys; replaces serine 665 with cysteine.
Molecular consequence: missense variant. On other transcripts: non-coding transcript variant (1).
Genome position (GRCh38, 1-based): chr9:100,284,529, C>G. VCF-style: chr9-100284529-C-G. GRCh37 (hg19) VCF-style: chr9-103046811-C-G.
Other names: c.1706C>G, p.Ser569Cys (NM_001318381.2); c.1016C>G, p.Ser339Cys (NM_001318382.2); c.1994C>G (NM_014425.4); short protein forms S665C, S339C, S569C.
Identifiers: ClinVar variation 497685 (VCV000497685.9), dbSNP rs533008444, ClinGen allele CA5158523.
Genomic context (GRCh38, chr9:100,284,529, plus strand): 5'-CTGCTGGCAACGTGGCCCAAGGCCCTGAGCCAAGAGACAGCAGAGGATCTCCAGGAGGGT[C>G]TCTAGGCGGAGCCCTCCAGAAGGAGCAGCATGTTTCCTCAGATTTGCAGGGAACAAACTC-3'
Protein context (NP_055240.2, residues 655-675): PRDSRGSPGG[Ser665Cys]LGGALQKEQH

ClinVar aggregate classification (germline): Conflicting classifications of pathogenicity. Review status: criteria provided, conflicting classifications (1 of 4 stars). 4 submissions from 4 submitters: Uncertain significance (3); Likely benign (1). Last evaluated 2024-10-10.

Conditions:
INVS-related disorder. Also called: INVS-related condition.
Nephronophthisis. Also called: Juvenile Nephronophthisis. Identifiers: Orphanet 655, MedGen C0687120, MONDO:0019005, HP:0000090.
Infantile nephronophthisis (NPHP2). Also called: Nephronophthisis 2, infantile; Nephronophthisis 2. Identifiers: Orphanet 655, Orphanet 93591, MedGen C1865872, MONDO:0011190, OMIM 602088.

Allele frequency attached by ClinVar (database versions not stated): gnomAD below 0.00001 and 0.00003; TOPMed 0.00001; gnomAD exomes 0.00020; ExAC 0.00021; 1000 Genomes Project 30x 0.00031; 1000 Genomes Project 0.00040.
gnomAD v4.1: 130 of 1,614,018 alleles (0.0081%); highest among the groups gnomAD compares: South Asian, 0.14%; 2 homozygotes.

Submissions (4):

PreventionGenetics, part of Exact Sciences
Classification: Likely benign for INVS-related condition. Last evaluated: 2024-10-10. Review status: criteria provided, single submitter. Criteria: ACMG Guidelines, 2015. Collection method: clinical testing. Allele origin: germline.
Comment: This variant is classified as likely benign based on ACMG/AMP sequence variant interpretation guidelines (Richards et al. 2015 PMID: 25741868, with internal and published modifications).

Labcorp Genetics (formerly Invitae), Labcorp
Classification: Uncertain significance for Nephronophthisis. Last evaluated: 2022-06-04. Review status: criteria provided, single submitter. Criteria: Invitae Variant Classification Sherloc (09022015). Collection method: clinical testing. Allele origin: germline.
Comment: This sequence change replaces serine, which is neutral and polar, with cysteine, which is neutral and slightly polar, at codon 665 of the INVS protein (p.Ser665Cys). This variant is present in population databases (rs533008444, gnomAD 0.2%). This variant has not been reported in the literature in individuals affected with INVS-related conditions. ClinVar contains an entry for this variant (Variation ID: 497685). Algorithms developed to predict the effect of missense changes on protein structure and function output the following: SIFT: "Tolerated"; PolyPhen-2: "Benign"; Align-GVGD: "Class C0". The cysteine amino acid residue is found in multiple mammalian species, which suggests that this missense change does not adversely affect protein function. In summary, the available evidence is currently insufficient to determine the role of this variant in disease. Therefore, it has been classified as a Variant of Uncertain Significance.

Fulgent Genetics
Classification: Uncertain significance for Infantile nephronophthisis. Last evaluated: 2022-02-01. Review status: criteria provided, single submitter. Criteria: ACMG Guidelines, 2015. Collection method: clinical testing. Allele origin: unknown.

Eurofins Ntd Llc (ga)
Classification: Uncertain significance. Last evaluated: 2016-10-24. Review status: criteria provided, single submitter. Criteria: EGL Classification Definitions 2015. Collection method: clinical testing. Allele origin: germline. Observed: 2 variant alleles, 2 heterozygotes.